The following is an entry in ClinVar:

NM_000061.3(BTK):c.1631+71C>T

Gene: BTK (Bruton tyrosine kinase; minus strand). Cytogenetic location: Xq22.1.
Variant type: single nucleotide variant.
Coding change: c.1631+71C>T on transcript NM_000061.3 (MANE Select); 71 bases into the intron after coding-DNA position 1631, C replaced by T.
Molecular consequence: intron variant.
Genome position (GRCh38, 1-based): chrX:101,354,559, G>A on the plus strand (C>T on the coding strand, the complement: BTK is on the minus strand). VCF-style: chrX-101354559-G-A. GRCh37 (hg19) VCF-style: chrX-100609547-G-A.
Other names: c.1733+71C>T (NM_001287344.2); c.1103+71C>T (NM_001287345.2).
Identifiers: ClinVar variation 1192385 (VCV001192385.8), dbSNP rs2071223, ClinGen allele CA333096562.

ClinVar aggregate classification (germline): Benign. Review status: criteria provided, multiple submitters, no conflicts (2 of 4 stars). 5 submissions from 4 submitters: Benign (5). Last evaluated 2024-01-24.

Conditions:
X-linked agammaglobulinemia with growth hormone deficiency (IGHD3). Also called: AGAMMAGLOBULINEMIA AND ISOLATED GROWTH HORMONE DEFICIENCY, X-LINKED; ISOLATED GROWTH HORMONE DEFICIENCY, TYPE III, WITH AGAMMAGLOBULINEMIA; FLEISHER SYNDROME; HYPOGAMMAGLOBULINEMIA AND ISOLATED GROWTH HORMONE DEFICIENCY, X-LINKED; IGHD III; Isolated growth hormone deficiency type 3. Identifiers: Orphanet 231692, Orphanet 631, MedGen C0472813, MONDO:0010615, OMIM 307200.
X-linked agammaglobulinemia (XLA). Also called: Agammaglobulinemia, Bruton tyrosine kinase; Agammaglobulinemia, BTK; BTK-deficiency; IMMUNODEFICIENCY 1; Bruton-type agammaglobulinemia; Bruton's agammaglobulinemia. Identifiers: Orphanet 229717, Orphanet 47, MedGen C0221026, MONDO:0010421, OMIM 300755.

Allele frequency attached by ClinVar (database versions not stated): TOPMed 0.75562; 1000 Genomes Project 0.78781; 1000 Genomes Project 30x 0.79646.

Submissions (5):

Unidad de Genómica Garrahan, Hospital de Pediatría Garrahan
Classification: Benign. Last evaluated: 2024-01-24. Review status: criteria provided, single submitter. Criteria: ACMG Guidelines, 2015. Collection method: clinical testing. Allele origin: germline. Affected: no. Observed: 65 variant alleles.
Comment: This variant is classified as Benign based on local population frequency. This variant was detected in 68% of patients studied by a panel of primary immunodeficiencies. Number of patients: 65. Only high quality variants are reported.

Genome-Nilou Lab
Classification: Benign for X-linked agammaglobulinemia. Last evaluated: 2021-07-14. Review status: criteria provided, single submitter. Criteria: ACMG Guidelines, 2015. Collection method: clinical testing. Allele origin: germline. Affected: no.

Genome-Nilou Lab
Classification: Benign for X-linked agammaglobulinemia with growth hormone deficiency. Last evaluated: 2021-07-14. Review status: criteria provided, single submitter. Criteria: ACMG Guidelines, 2015. Collection method: clinical testing. Allele origin: germline. Affected: no.

GeneDx
Classification: Benign. Last evaluated: 2015-03-03. Review status: criteria provided, single submitter. Criteria: GeneDx Variant Classification Process June 2021. Collection method: clinical testing. Allele origin: germline. Affected: yes.

Breakthrough Genomics
Classification: Benign. Review status: criteria provided, single submitter. Criteria: ACMG Guidelines, 2015. Collection method: not provided. Allele origin: germline. Inheritance: X-linked inheritance. Affected: yes.